The following is an entry in ClinVar:

NM_000207.3(INS):c.29T>A (p.Leu10Gln)

Genes: INS (insulin; minus strand), INS-IGF2 (INS-IGF2 readthrough; minus strand). Cytogenetic location: 11p15.5.
Variant type: single nucleotide variant.
Coding change: c.29T>A on transcript NM_000207.3 (MANE Select); coding-DNA position 29, T replaced by A.
Protein change: p.Leu10Gln; replaces leucine 10 with glutamine.
Molecular consequence: missense variant. On other transcripts: non-coding transcript variant (1).
Genome position (GRCh38, 1-based): chr11:2,160,943, A>T on the plus strand (T>A on the coding strand, the complement: INS is on the minus strand). VCF-style: chr11-2160943-A-T. GRCh37 (hg19) VCF-style: chr11-2182173-A-T.
Other names: c.29T>A, p.Leu10Gln (NM_001185097.2, NM_001185098.2, NM_001291897.2 and 1 more transcripts); short protein forms L10Q.
Identifiers: ClinVar variation 1715602 (VCV001715602.5), dbSNP rs2495757450, ClinGen allele CA379122431.

ClinVar aggregate classification (germline): Uncertain significance (1 of 4 stars; one submission).

Submission:

Labcorp Genetics (formerly Invitae), Labcorp
Classification: Uncertain significance. Last evaluated: 2022-08-07. Review status: criteria provided, single submitter. Criteria: Invitae Variant Classification Sherloc (09022015). Collection method: clinical testing. Allele origin: germline.
Comment: This sequence change replaces leucine, which is neutral and non-polar, with glutamine, which is neutral and polar, at codon 10 of the INS protein (p.Leu10Gln). This variant is not present in population databases (gnomAD no frequency). This variant has not been reported in the literature in individuals affected with INS-related conditions. Algorithms developed to predict the effect of missense changes on protein structure and function are either unavailable or do not agree on the potential impact of this missense change (SIFT: "Deleterious"; PolyPhen-2: "Not Available"; Align-GVGD: "Class C65"). In summary, the available evidence is currently insufficient to determine the role of this variant in disease. Therefore, it has been classified as a Variant of Uncertain Significance.